The following is an entry in ClinVar:

ClinVar aggregate classification (germline): Benign/Likely benign. Review status: criteria provided, multiple submitters, no conflicts (2 of 4 stars). 5 submissions from 5 submitters: Benign (3); Likely benign (2). Last evaluated 2025-09-10.

Conditions:
Autosomal recessive spinocerebellar ataxia 13. Identifiers: Orphanet 324262, MedGen C3553816, MONDO:0013905, OMIM 614831.
Spinocerebellar ataxia 44. Identifiers: Orphanet 631095, MedGen C4521563, MONDO:0033479, OMIM 617691.

Allele frequency attached by ClinVar (database versions not stated): gnomAD exomes 0.00026 and 0.00069; ExAC 0.00092; 1000 Genomes Project 0.00200; 1000 Genomes Project 30x 0.00234; gnomAD 0.00276 and 0.00289; TOPMed 0.00306; ESP Exome Variant Server 0.00354.
gnomAD v4.1: 822 of 1,614,076 alleles (0.051%); highest among the groups gnomAD compares: African/African-American, 0.97%; 5 homozygotes.

Submissions (5):

Labcorp Genetics (formerly Invitae), Labcorp
Classification: Benign. Last evaluated: 2025-09-10. Review status: criteria provided, single submitter. Criteria: Invitae Variant Classification Sherloc (09022015). Collection method: clinical testing. Allele origin: germline.

Mayo Clinic Laboratories, Mayo Clinic
Classification: Benign. Last evaluated: 2025-01-06. Review status: criteria provided, single submitter. Criteria: ACMG Guidelines, 2015. Collection method: clinical testing. Allele origin: germline. Observed: 1 variant allele.
Comment: BS1, BS2, BP4, BP7

Blueprint Genetics
Classification: Likely benign. Last evaluated: 2024-10-24. Review status: criteria provided, single submitter. Criteria: ACMG Guidelines, 2015. Collection method: clinical testing. Allele origin: germline.

Athena Diagnostics
Classification: Benign. Last evaluated: 2023-10-20. Review status: criteria provided, single submitter. Criteria: Athena Diagnostics Criteria. Collection method: clinical testing. Allele origin: unknown.

Fulgent Genetics
Classification: Likely benign for Autosomal recessive spinocerebellar ataxia 13; Spinocerebellar ataxia 44. Last evaluated: 2022-01-06. Review status: criteria provided, single submitter. Criteria: ACMG Guidelines, 2015. Collection method: clinical testing. Allele origin: unknown.

Literature cited by the submitters: PubMed 22448230 (cited by Athena Diagnostics).

NM_001278064.2(GRM1):c.2043T>C (p.Arg681=)

Gene: GRM1 (glutamate metabotropic receptor 1; plus strand). Cytogenetic location: 6q24.3.
Variant type: single nucleotide variant.
Coding change: c.2043T>C on transcript NM_001278064.2 (MANE Select); coding-DNA position 2043, T replaced by C.
Protein change: p.Arg681=; no amino-acid change (arginine 681 retained).
Molecular consequence: synonymous variant.
Genome position (GRCh38, 1-based): chr6:146,399,082, T>C. VCF-style: chr6-146399082-T-C. GRCh37 (hg19) VCF-style: chr6-146720218-T-C.
Other names: p.Arg681=; c.2043T>C, p.Arg681= (NM_001278065.2, NM_001278066.1, NM_001278067.1).
Identifiers: ClinVar variation 585955 (VCV000585955.15), dbSNP rs143682838, ClinGen allele CA4037410.
Genomic context (GRCh38, chr6:146,399,082, plus strand): 5'-CCTCTTGGTTGGCCTCTCCTCTGCGATGTGCTACTCTGCTTTAGTGACTAAAACCAATCG[T>C]ATTGCACGCATCCTGGCTGGCAGCAAGAAGAAGATCTGCACCCGGAAGCCCAGGTTCATG-3'
Protein context (NP_001264993.1, residues 671-691): CYSALVTKTN[Arg681=]IARILAGSKK